The following is an entry in ClinVar:

ClinVar aggregate classification (germline): Likely benign (0 of 4 stars; one submission).

Conditions:
VPS13B-related disorder. Also called: VPS13B-related condition.

Submission:

PreventionGenetics, part of Exact Sciences
Classification: Likely benign for VPS13B-related condition. Last evaluated: 2024-07-10. Review status: no assertion criteria provided. Collection method: clinical testing. Allele origin: germline.
Comment: This variant is classified as likely benign based on ACMG/AMP sequence variant interpretation guidelines (Richards et al. 2015 PMID: 25741868, with internal and published modifications).

NM_152564.5(VPS13B):c.4634-8T>C

Gene: VPS13B (vacuolar protein sorting 13 homolog B; plus strand). Cytogenetic location: 8q22.2.
Variant type: single nucleotide variant.
Coding change: c.4634-8T>C on transcript NM_152564.5 (MANE Select); 8 bases into the intron before coding-DNA position 4634, T replaced by C.
Molecular consequence: intron variant.
Genome position (GRCh38, 1-based): chr8:99,520,891, T>C. VCF-style: chr8-99520891-T-C. GRCh37 (hg19) VCF-style: chr8-100533119-T-C.
Other names: c.4709-8T>C (NM_017890.5).
Identifiers: ClinVar variation 3347497 (VCV003347497.1).